The following is an entry in ClinVar:

NM_001378454.1(ALMS1):c.2414C>G (p.Thr805Arg)

Gene: ALMS1 (ALMS1 centrosome and basal body associated protein; plus strand). Cytogenetic location: 2p13.1.
Variant type: single nucleotide variant.
Coding change: c.2414C>G on transcript NM_001378454.1 (MANE Select); coding-DNA position 2414, C replaced by G.
Protein change: p.Thr805Arg; replaces threonine 805 with arginine.
Molecular consequence: missense variant.
Genome position (GRCh38, 1-based): chr2:73,448,941, C>G. VCF-style: chr2-73448941-C-G. GRCh37 (hg19) VCF-style: chr2-73676068-C-G.
Other names: c.2417C>G, p.Thr806Arg (NM_015120.4); short protein forms T805R, T806R.
Identifiers: ClinVar variation 1378048 (VCV001378048.7), dbSNP rs1671867434, ClinGen allele CA347269999.
Genomic context (GRCh38, chr2:73,448,941, plus strand): 5'-AAGAGGGTCTGAAAGTTTCAGCTGTTGCTGGACCAGCTGACCAGAAGACTGGCCTACCAA[C>G]AGTACCCTCTAGTGCATACTCACACAGAGAGAAGCTCCTTGTTTTCTACCAACAGGCCTT-3'
Protein context (NP_001365383.1, residues 795-815): GPADQKTGLP[Thr805Arg]VPSSAYSHRE

ClinVar aggregate classification (germline): Uncertain significance. Review status: criteria provided, single submitter (1 of 4 stars). 2 submissions from 2 submitters: Uncertain significance (1). 1 of the submissions does not count toward it. Last evaluated 2021-08-27.

Conditions:
ALMS1-related disorder. Also called: ALMS1-related condition.
Alstrom syndrome (ALMS). Identifiers: Orphanet 64, MedGen C0268425, MONDO:0008763, OMIM 203800.

Submissions (2):

Labcorp Genetics (formerly Invitae), Labcorp
Classification: Uncertain significance for Alstrom syndrome. Last evaluated: 2021-08-27. Review status: criteria provided, single submitter. Criteria: Invitae Variant Classification Sherloc (09022015). Collection method: clinical testing. Allele origin: germline.
Comment: This sequence change replaces threonine with arginine at codon 806 of the ALMS1 protein (p.Thr806Arg). The threonine residue is weakly conserved and there is a moderate physicochemical difference between threonine and arginine. This variant is not present in population databases (ExAC no frequency). This variant has not been reported in the literature in individuals affected with ALMS1-related conditions. Experimental studies and prediction algorithms are not available or were not evaluated, and the functional significance of this variant is currently unknown. In summary, the available evidence is currently insufficient to determine the role of this variant in disease. Therefore, it has been classified as a Variant of Uncertain Significance.

PreventionGenetics, part of Exact Sciences
Classification: Uncertain significance for ALMS1-related condition. Last evaluated: 2024-07-05. Review status: no assertion criteria provided. Collection method: clinical testing. Allele origin: germline. Not counted in ClinVar's aggregate classification.
Comment: The ALMS1 c.2417C>G variant is predicted to result in the amino acid substitution p.Pro806Arg. To our knowledge, this variant has not been reported in the literature. This variant is reported in 0.0087% of alleles in individuals of Latino descent in gnomAD. At this time, the clinical significance of this variant is uncertain due to the absence of conclusive functional and genetic evidence.